The following is an entry in ClinVar:

ClinVar aggregate classification (germline): Pathogenic (1 of 4 stars; one submission).

Submission:

Labcorp Genetics (formerly Invitae), Labcorp
Classification: Pathogenic. Last evaluated: 2023-10-23. Review status: criteria provided, single submitter. Criteria: Invitae Variant Classification Sherloc (09022015). Collection method: clinical testing. Allele origin: germline.
Comment: This sequence change creates a premature translational stop signal (p.Ile863Serfs*3) in the SLC4A11 gene. While this is not anticipated to result in nonsense mediated decay, it is expected to disrupt the last 29 amino acid(s) of the SLC4A11 protein. This variant is not present in population databases (gnomAD no frequency). This variant has not been reported in the literature in individuals affected with SLC4A11-related conditions. This variant disrupts a region of the SLC4A11 protein in which other variant(s) (p.Arg875*) have been determined to be pathogenic (PMID: 17679935, 31420327). This suggests that this is a clinically significant region of the protein, and that variants that disrupt it are likely to be disease-causing. For these reasons, this variant has been classified as Pathogenic.

Literature cited by the submitters: PubMed 17679935; PubMed 31420327.

NM_001174089.2(SLC4A11):c.2539del (p.Ile847fs)

Gene: SLC4A11 (solute carrier family 4 member 11; minus strand). Cytogenetic location: 20p13.
Variant type: Deletion.
Coding change: c.2539del on transcript NM_001174089.2 (MANE Select); coding-DNA position 2539, one base deleted (A; older notation c.2539delA).
Protein change: p.Ile847fs; shifts the reading frame from isoleucine 847.
Molecular consequence: frameshift variant. On other transcripts: non-coding transcript variant (3).
Genome position (GRCh38, 1-based): chr20:3,228,278, T deleted on the plus strand (A on the coding strand, the reverse complement: SLC4A11 is on the minus strand). VCF-style (leftmost placement, unchanged base first): chr20-3228277-AT-A. GRCh37 (hg19) VCF-style: chr20-3208923-AT-A.
Other names: c.2668del, p.Ile890fs (NM_001174090.2); c.2425del, p.Ile809fs (NM_001363745.2); c.2482del, p.Ile828fs (NM_001400277.1, NM_001400278.1, NM_001400279.1); c.2554del, p.Ile852fs (NM_001400280.1); c.2587del, p.Ile863fs (NM_032034.4); short protein forms I847fs, I828fs, I852fs, I863fs, I890fs, I809fs.
Identifiers: ClinVar variation 2771350 (VCV002771350.3), dbSNP rs2514513033, ClinGen allele CA2697547269.
Genomic context (GRCh38, chr20:3,228,277, plus strand): 5'-CCTAGACTGGGCCCCTCCTGCCCACTGCCCACCCGCCTGTACCGGATGGGGATCATGGCG[AT>A]CATGATGAGGGGAAAGATCATCTTCATGTAGGGCAGGGAGCTCATGCCGAAGGCACACAG-3'